The following is an entry in ClinVar:

NM_015488.5(PNKD):c.1006G>A (p.Glu336Lys)

Genes: CATIP-AS2 (CATIP antisense RNA 2; minus strand), PNKD (PNKD metallo-beta-lactamase domain containing; plus strand). Cytogenetic location: 2q35.
Variant type: single nucleotide variant.
Coding change: c.1006G>A on transcript NM_015488.5 (MANE Select); coding-DNA position 1006, G replaced by A.
Protein change: p.Glu336Lys; replaces glutamic acid 336 with lysine.
Molecular consequence: missense variant.
Genome position (GRCh38, 1-based): chr2:218,344,829, G>A. VCF-style: chr2-218344829-G-A. GRCh37 (hg19) VCF-style: chr2-219209552-G-A.
Other names: c.934G>A, p.Glu312Lys (NM_022572.5); short protein forms E312K, E336K.
Identifiers: ClinVar variation 2199612 (VCV002199612.4), dbSNP rs754136722, ClinGen allele CA350543173.
Genomic context (GRCh38, chr2:218,344,829, plus strand): 5'-CAGCTTCTCTCCACCAAACCTGGTTCCTCTCACCCACAGTGCCCATCTACCCTGGGAGAG[G>A]AGCGCTCCTACAACCCGTTCCTGAGAACCCACTGCCTGGCGCTACAGGAGGCTCTGGGGC-3'
Protein context (NP_056303.3, residues 326-346): KGTCPSTLGE[Glu336Lys]RSYNPFLRTH

ClinVar aggregate classification (germline): Uncertain significance (1 of 4 stars; one submission).

Conditions:
Paroxysmal nonkinesigenic dyskinesia. Also called: Paroxysmal non-kinesigenic dyskinesia. Identifiers: Orphanet 98810, MedGen C1869117, MONDO:0700088.

Allele frequency attached by ClinVar (database versions not stated): TOPMed below 0.00001.
gnomAD v4.1: 3 of 1,613,938 alleles (0.00019%); highest among the groups gnomAD compares: South Asian, 0.0011%; no homozygotes.

Submission:

Labcorp Genetics (formerly Invitae), Labcorp
Classification: Uncertain significance for Paroxysmal nonkinesigenic dyskinesia. Last evaluated: 2023-03-04. Review status: criteria provided, single submitter. Criteria: Invitae Variant Classification Sherloc (09022015). Collection method: clinical testing. Allele origin: germline.
Comment: This sequence change replaces glutamic acid, which is acidic and polar, with lysine, which is basic and polar, at codon 336 of the PNKD protein (p.Glu336Lys). This variant is not present in population databases (gnomAD no frequency). This variant has not been reported in the literature in individuals affected with PNKD-related conditions. ClinVar contains an entry for this variant (Variation ID: 2199612). Advanced modeling of protein sequence and biophysical properties (such as structural, functional, and spatial information, amino acid conservation, physicochemical variation, residue mobility, and thermodynamic stability) performed at Invitae indicates that this missense variant is expected to disrupt PNKD protein function. In summary, the available evidence is currently insufficient to determine the role of this variant in disease. Therefore, it has been classified as a Variant of Uncertain Significance.